The following is an entry in ClinVar:

ClinVar aggregate classification (germline): Uncertain significance. Review status: criteria provided, multiple submitters, no conflicts (2 of 4 stars). 2 submissions from 2 submitters: Uncertain significance (2). Last evaluated 2023-04-11.

Conditions:
Inborn genetic diseases. Identifiers: MedGen C0950123, MeSH D030342.

Allele frequency attached by ClinVar (database versions not stated): gnomAD 0.00002; TOPMed 0.00002; gnomAD exomes below 0.00001.
gnomAD v4.1: 7 of 1,596,848 alleles (0.00044%); highest among the groups gnomAD compares: African/African-American, 0.0027%; no homozygotes.

Submissions (2):

Ambry Genetics
Classification: Uncertain significance for Inborn genetic diseases. Last evaluated: 2023-04-11. Review status: criteria provided, single submitter. Criteria: Ambry Variant Classification Scheme 2023. Collection method: clinical testing. Allele origin: germline.

GeneDx
Classification: Uncertain significance. Last evaluated: 2022-04-13. Review status: criteria provided, single submitter. Criteria: GeneDx Variant Classification Process June 2021. Collection method: clinical testing. Allele origin: germline. Affected: yes.
Comment: Not observed at significant frequency in large population cohorts (gnomAD); In silico analysis supports that this missense variant does not alter protein structure/function; Has not been previously published as pathogenic or benign to our knowledge

NM_014727.3(KMT2B):c.4550G>A (p.Arg1517Gln)

Gene: KMT2B (lysine methyltransferase 2B; plus strand). Cytogenetic location: 19q13.12.
Variant type: single nucleotide variant.
Coding change: c.4550G>A on transcript NM_014727.3 (MANE Select); coding-DNA position 4550, G replaced by A.
Protein change: p.Arg1517Gln; replaces arginine 1517 with glutamine.
Molecular consequence: missense variant.
Genome position (GRCh38, 1-based): chr19:35,728,150, G>A. VCF-style: chr19-35728150-G-A. GRCh37 (hg19) VCF-style: chr19-36219051-G-A.
Other names: c.4550G>A (NM_014727.1); short protein forms R1517Q.
Identifiers: ClinVar variation 1710621 (VCV001710621.4), dbSNP rs1000544799, ClinGen allele CA307791512.